The following is an entry in ClinVar:

NM_001366385.1(CARD14):c.2691+10A>T

Genes: SGSH (N-sulfoglucosamine sulfohydrolase; minus strand), CARD14 (caspase recruitment domain family member 14; plus strand), LOC126862662 (MED14-independent group 3 enhancer GRCh37_chr17:78178385-78179584; plus strand). Cytogenetic location: 17q25.3.
Variant type: single nucleotide variant.
Coding change: c.2691+10A>T on transcript NM_001366385.1 (MANE Select); 10 bases into the intron after coding-DNA position 2691, A replaced by T.
Molecular consequence: intron variant.
Genome position (GRCh38, 1-based): chr17:80,205,662, A>T. VCF-style: chr17-80205662-A-T. GRCh37 (hg19) VCF-style: chr17-78179461-A-T.
Other names: c.2691+10A>T (NM_024110.4).
Identifiers: ClinVar variation 756518 (VCV000756518.6), dbSNP rs1598715259, ClinGen allele CA915952233.

ClinVar aggregate classification (germline): Likely benign. Review status: criteria provided, single submitter (1 of 4 stars). 2 submissions from 2 submitters: Likely benign (1). 1 of the submissions does not count toward it. Last evaluated 2019-12-31.

Conditions:
CARD14-related disorder. Also called: CARD14-related condition.
Pityriasis rubra pilaris (PRP). Also called: Pityriasis rubra pilaris--familial type. Identifiers: Orphanet 2897, MedGen C0032027, MONDO:0100017, OMIM 173200, MONDO:0008251.
Psoriasis 2. Identifiers: MedGen C1864497, MONDO:0011269, OMIM 602723.

Submissions (2):

Labcorp Genetics (formerly Invitae), Labcorp
Classification: Likely benign for Pityriasis rubra pilaris; Psoriasis susceptibility 2. Last evaluated: 2019-12-31. Review status: criteria provided, single submitter. Criteria: Invitae Variant Classification Sherloc (09022015). Collection method: clinical testing. Allele origin: germline.

PreventionGenetics, part of Exact Sciences
Classification: Likely benign for CARD14-related condition. Last evaluated: 2021-04-05. Review status: no assertion criteria provided. Collection method: clinical testing. Allele origin: germline. Not counted in ClinVar's aggregate classification.
Comment: This variant is classified as likely benign based on ACMG/AMP sequence variant interpretation guidelines (Richards et al. 2015 PMID: 25741868, with internal and published modifications).